The following is an entry in ClinVar:

ClinVar aggregate classification (germline): Uncertain significance (1 of 4 stars; one submission).

Conditions:
SIM1-related disorder. Also called: SIM1-related disorders; SIM1-related condition.

Submission:

PreventionGenetics, part of Exact Sciences
Classification: Uncertain significance for SIM1-related condition. Last evaluated: 2025-02-18. Review status: criteria provided, single submitter. Criteria: ACMG Guidelines, 2015. Collection method: clinical testing. Allele origin: germline.
Comment: The SIM1 c.457G>A variant is predicted to result in the amino acid substitution p.Glu153Lys. To our knowledge, this variant has not been reported in the literature or in a large population database (gnomAD), indicating this variant is rare. At this time, the clinical significance of this variant is uncertain due to the absence of conclusive functional and genetic evidence.

NM_005068.3(SIM1):c.457G>A (p.Glu153Lys)

Gene: SIM1 (SIM bHLH transcription factor 1; minus strand). Cytogenetic location: 6q16.3.
Variant type: single nucleotide variant.
Coding change: c.457G>A on transcript NM_005068.3 (MANE Select); coding-DNA position 457, G replaced by A.
Protein change: p.Glu153Lys; replaces glutamic acid 153 with lysine.
Molecular consequence: missense variant.
Genome position (GRCh38, 1-based): chr6:100,449,591, C>T on the plus strand (G>A on the coding strand, the complement: SIM1 is on the minus strand). VCF-style: chr6-100449591-C-T. GRCh37 (hg19) VCF-style: chr6-100897467-C-T.
Other names: c.457G>A, p.Glu153Lys (NM_001374769.1); short protein forms E153K.
Identifiers: ClinVar variation 4998058 (VCV004998058.1).